The following is an entry in ClinVar:

ClinVar aggregate classification (germline): Uncertain significance (1 of 4 stars; one submission).

Conditions:
Oligodontia-cancer predisposition syndrome. Also called: TOOTH AGENESIS-COLORECTAL CANCER SYNDROME. Identifiers: Orphanet 300576, MedGen C1837750, MONDO:0012075, OMIM 608615. Disease mechanism: loss of function.

Submission:

Labcorp Genetics (formerly Invitae), Labcorp
Classification: Uncertain significance for Oligodontia-cancer predisposition syndrome. Last evaluated: 2020-08-20. Review status: criteria provided, single submitter. Criteria: Invitae Variant Classification Sherloc (09022015). Collection method: clinical testing. Allele origin: germline.
Comment: This variant has not been reported in the literature in individuals with AXIN2-related conditions. This sequence change replaces glycine with tryptophan at codon 664 of the AXIN2 protein (p.Gly664Trp). The glycine residue is highly conserved and there is a large physicochemical difference between glycine and tryptophan. This variant is not present in population databases (ExAC no frequency). Algorithms developed to predict the effect of missense changes on protein structure and function are either unavailable or do not agree on the potential impact of this missense change (SIFT: "Deleterious"; PolyPhen-2: "Probably Damaging"; Align-GVGD: "Class C15"). Algorithms developed to predict the effect of sequence changes on RNA splicing suggest that this variant may create or strengthen a splice site, but this prediction has not been confirmed by published transcriptional studies. In summary, the available evidence is currently insufficient to determine the role of this variant in disease. Therefore, it has been classified as a Variant of Uncertain Significance.

NM_004655.4(AXIN2):c.1990G>T (p.Gly664Trp)

Gene: AXIN2 (axin 2; minus strand). Cytogenetic location: 17q24.1.
Variant type: single nucleotide variant.
Coding change: c.1990G>T on transcript NM_004655.4 (MANE Select); coding-DNA position 1990, G replaced by T.
Protein change: p.Gly664Trp; replaces glycine 664 with tryptophan.
Molecular consequence: missense variant.
Genome position (GRCh38, 1-based): chr17:65,536,471, C>A on the plus strand (G>T on the coding strand, the complement: AXIN2 is on the minus strand). VCF-style: chr17-65536471-C-A. GRCh37 (hg19) VCF-style: chr17-63532589-C-A.
Other names: c.1795G>T, p.Gly599Trp (NM_001363813.1); short protein forms G599W, G664W.
Identifiers: ClinVar variation 1057671 (VCV001057671.9), dbSNP rs2144442742, ClinGen allele CA400676200.